The following is an entry in ClinVar:

NM_138295.5(PKD1L1):c.1522T>C (p.Ser508Pro)

Gene: PKD1L1 (polycystin 1 like 1, transient receptor potential channel interacting; minus strand). Cytogenetic location: 7p12.3.
Variant type: single nucleotide variant.
Coding change: c.1522T>C on transcript NM_138295.5 (MANE Select); coding-DNA position 1522, T replaced by C.
Protein change: p.Ser508Pro; replaces serine 508 with proline.
Molecular consequence: missense variant.
Genome position (GRCh38, 1-based): chr7:47,905,843, A>G on the plus strand (T>C on the coding strand, the complement: PKD1L1 is on the minus strand). VCF-style: chr7-47905843-A-G. GRCh37 (hg19) VCF-style: chr7-47945440-A-G.
Other names: short protein forms S508P.
Identifiers: ClinVar variation 2574321 (VCV002574321.1), dbSNP rs777860409, ClinGen allele CA4254031.

ClinVar aggregate classification (germline): Uncertain significance (1 of 4 stars; one submission).

Allele frequency attached by ClinVar (database versions not stated): ExAC 0.00001; gnomAD exomes 0.00001.
gnomAD v4.1: 13 of 1,611,902 alleles (0.00081%); highest among the groups gnomAD compares: Non-Finnish European, 0.0011%; no homozygotes.

Submission:

GeneDx
Classification: Uncertain significance. Last evaluated: 2023-01-30. Review status: criteria provided, single submitter. Criteria: GeneDx Variant Classification Process June 2021. Collection method: clinical testing. Allele origin: germline. Affected: yes.
Comment: Not observed at significant frequency in large population cohorts (gnomAD); In silico analysis supports that this missense variant does not alter protein structure/function; Has not been previously published as pathogenic or benign to our knowledge